The following is an entry in ClinVar:

NM_003482.4(KMT2D):c.5173G>T (p.Gly1725Trp)

Gene: KMT2D (lysine methyltransferase 2D; minus strand). Cytogenetic location: 12q13.12.
Variant type: single nucleotide variant.
Coding change: c.5173G>T on transcript NM_003482.4 (MANE Select); coding-DNA position 5173, G replaced by T.
Protein change: p.Gly1725Trp; replaces glycine 1725 with tryptophan.
Molecular consequence: missense variant.
Genome position (GRCh38, 1-based): chr12:49,044,215, C>A on the plus strand (G>T on the coding strand, the complement: KMT2D is on the minus strand). VCF-style: chr12-49044215-C-A. GRCh37 (hg19) VCF-style: chr12-49437998-C-A.
Other names: short protein forms G1725W.
Identifiers: ClinVar variation 1375658 (VCV001375658.6), dbSNP rs1943677736, ClinGen allele CA384636002.

ClinVar aggregate classification (germline): Uncertain significance (1 of 4 stars; one submission).

Conditions:
Kabuki syndrome. Also called: NIIKAWA-KUROKI SYNDROME; Kabuki make-up syndrome. Identifiers: Orphanet 2322, MedGen C0796004, MONDO:0016512.

Submission:

Labcorp Genetics (formerly Invitae), Labcorp
Classification: Uncertain significance for Kabuki syndrome. Last evaluated: 2025-01-15. Review status: criteria provided, single submitter. Criteria: Invitae Variant Classification Sherloc (09022015). Collection method: clinical testing. Allele origin: germline.
Comment: This sequence change replaces glycine, which is neutral and non-polar, with tryptophan, which is neutral and slightly polar, at codon 1725 of the KMT2D protein (p.Gly1725Trp). This variant is not present in population databases (gnomAD no frequency). This variant has not been reported in the literature in individuals affected with KMT2D-related conditions. ClinVar contains an entry for this variant (Variation ID: 1375658). Invitae Evidence Modeling of protein sequence and biophysical properties (such as structural, functional, and spatial information, amino acid conservation, physicochemical variation, residue mobility, and thermodynamic stability) indicates that this missense variant is not expected to disrupt KMT2D protein function with a negative predictive value of 95%. In summary, the available evidence is currently insufficient to determine the role of this variant in disease. Therefore, it has been classified as a Variant of Uncertain Significance.